The following is an entry in ClinVar:

ClinVar aggregate classification (germline): Benign. Review status: criteria provided, multiple submitters, no conflicts (2 of 4 stars). 7 submissions from 7 submitters: Benign (5). 2 of the submissions do not count toward it. Last evaluated 2026-02-03.

Conditions:
Mucopolysaccharidosis, MPS-III-C (MPS3C). Also called: Mucopolysaccharidosis type IIIC (Sanfilippo C); MPS III C; MUCOPOLYSACCHARIDOSIS, TYPE IIIC; mucopolysaccharidosis type 3C; MPS IIIC (Sanfilippo Syndrome Type C); SANFILIPPO SYNDROME C. Identifiers: Orphanet 581, Orphanet 79271, MedGen C0086649, MONDO:0009657, OMIM 252930.
Retinitis pigmentosa 73 (RP73). Identifiers: Orphanet 791, MedGen C4225287, MONDO:0014687, OMIM 616544.

Allele frequency attached by ClinVar (database versions not stated): ExAC 0.00882; gnomAD exomes 0.00291 and 0.00704; gnomAD 0.02353 and 0.02491; TOPMed 0.02656; ESP Exome Variant Server 0.02500; 1000 Genomes Project 30x 0.02920; 1000 Genomes Project 0.02855.
gnomAD v4.1: 7,993 of 1,611,490 alleles (0.5%); highest among the groups gnomAD compares: African/African-American, 8.3%; 291 homozygotes.

Submissions (7):

Labcorp Genetics (formerly Invitae), Labcorp
Classification: Benign for Retinitis pigmentosa 73; Mucopolysaccharidosis, MPS-III-C. Last evaluated: 2026-02-03. Review status: criteria provided, single submitter. Criteria: Invitae Variant Classification Sherloc (09022015). Collection method: clinical testing. Allele origin: germline.

GeneDx
Classification: Benign. Last evaluated: 2019-06-29. Review status: criteria provided, single submitter. Criteria: GeneDx Variant Classification Process June 2021. Collection method: clinical testing. Allele origin: germline. Affected: yes.

Illumina Laboratory Services, Illumina
Classification: Benign for Mucopolysaccharidosis, MPS-III-C. Last evaluated: 2018-01-13. Review status: criteria provided, single submitter. Criteria: ICSL Variant Classification Criteria 13 December 2019. Collection method: clinical testing. Allele origin: germline.
Comment: This variant was observed in the ICSL laboratory as part of a predisposition screen in an ostensibly healthy population. It had not been previously curated by ICSL or reported in the Human Gene Mutation Database (HGMD: prior to June 1st, 2018), and was therefore a candidate for classification through an automated scoring system. Utilizing variant allele frequency, disease prevalence and penetrance estimates, and inheritance mode, an automated score was calculated to assess if this variant is too frequent to cause the disease. Based on the score and internal cut-off values, a variant classified as benign is not then subjected to further curation. The score for this variant resulted in a classification of benign for this disease.

Eurofins Ntd Llc (ga)
Classification: Benign. Last evaluated: 2013-12-23. Review status: criteria provided, single submitter. Criteria: EGL Classification Definitions 2015. Collection method: clinical testing. Allele origin: germline. Observed: 1 variant allele, 1 heterozygote.

Breakthrough Genomics
Classification: Benign. Review status: criteria provided, single submitter. Criteria: ACMG Guidelines, 2015. Collection method: not provided. Allele origin: germline. Inheritance: Autosomal recessive inheritance. Affected: yes.

Natera, Inc.
Classification: Benign for Mucopolysaccharidosis type IIIC. Last evaluated: 2020-09-16. Review status: no assertion criteria provided. Collection method: clinical testing. Allele origin: germline. Not counted in ClinVar's aggregate classification.

Mayo Clinic Laboratories, Mayo Clinic
Classification: Benign. Last evaluated: 2017-09-21. Review status: no assertion criteria provided. Collection method: clinical testing. Allele origin: unknown. Not counted in ClinVar's aggregate classification.

NM_152419.3(HGSNAT):c.1840G>A (p.Val614Ile)

Gene: HGSNAT (heparan-alpha-glucosaminide N-acetyltransferase; plus strand). Cytogenetic location: 8p11.21.
Variant type: single nucleotide variant.
Coding change: c.1840G>A on transcript NM_152419.3 (MANE Select); coding-DNA position 1840, G replaced by A.
Protein change: p.Val614Ile; replaces valine 614 with isoleucine.
Molecular consequence: missense variant.
Genome position (GRCh38, 1-based): chr8:43,199,501, G>A. VCF-style: chr8-43199501-G-A. GRCh37 (hg19) VCF-style: chr8-43054644-G-A.
Other names: c.1927G>A, p.Val643Ile (NM_001363227.2); c.1648G>A, p.Val550Ile (NM_001363228.2); c.976G>A, p.Val326Ile (NM_001363229.2); short protein forms V614I, V550I, V326I, V643I.
Identifiers: ClinVar variation 167178 (VCV000167178.26), dbSNP rs73675469, ClinGen allele CA180116.